The following is an entry in ClinVar:

NM_001318852.2(MAPK8IP3):c.1690T>A (p.Ser564Thr)

Gene: MAPK8IP3 (mitogen-activated protein kinase 8 interacting protein 3; plus strand). Cytogenetic location: 16p13.3.
Variant type: single nucleotide variant.
Coding change: c.1690T>A on transcript NM_001318852.2 (MANE Select); coding-DNA position 1690, T replaced by A.
Protein change: p.Ser564Thr; replaces serine 564 with threonine.
Molecular consequence: missense variant.
Genome position (GRCh38, 1-based): chr16:1,762,694, T>A. VCF-style: chr16-1762694-T-A. GRCh37 (hg19) VCF-style: chr16-1812695-T-A.
Other names: c.1669T>A, p.Ser557Thr (NM_001040439.2); c.1687T>A, p.Ser563Thr (NM_015133.5, NM_033392.3); short protein forms S557T, S563T, S564T.
Identifiers: ClinVar variation 2571887 (VCV002571887.2), dbSNP rs2548097654, ClinGen allele CA394232444.
Genomic context (GRCh38, chr16:1,762,694, plus strand): 5'-TGAGGGCACTAGCAGGTTGCTCCCTGTGCCCTCCCCTGCAGAGCGTCCCGAGAGCACCCA[T>A]CCGTCCAGGAGAAGAAGAAGTCGACCATCTGGCAGTTGTAAGCTGGGGGCCCCTGGGGGA-3'
Protein context (NP_001305781.1, residues 554-574): EMIRASREHP[Ser564Thr]VQEKKKSTIW

ClinVar aggregate classification (germline): Uncertain significance (1 of 4 stars; one submission).

Submission:

GeneDx
Classification: Uncertain significance. Last evaluated: 2024-03-11. Review status: criteria provided, single submitter. Criteria: GeneDx Variant Classification Process June 2021. Collection method: clinical testing. Allele origin: germline. Affected: yes.
Comment: Not observed at significant frequency in large population cohorts (gnomAD); In silico analysis supports that this missense variant does not alter protein structure/function; Has not been previously published as pathogenic or benign to our knowledge